The following is an entry in ClinVar:

NM_014874.4(MFN2):c.1659G>A (p.Val553=)

Genes: MFN2 (mitofusin 2; plus strand), LOC129929426 (ATAC-STARR-seq lymphoblastoid active region 185; plus strand). Cytogenetic location: 1p36.22.
Variant type: single nucleotide variant.
Coding change: c.1659G>A on transcript NM_014874.4 (MANE Select); coding-DNA position 1659, G replaced by A.
Protein change: p.Val553=; no amino-acid change (valine 553 retained).
Molecular consequence: synonymous variant.
Genome position (GRCh38, 1-based): chr1:12,005,874, G>A. VCF-style: chr1-12005874-G-A. GRCh37 (hg19) VCF-style: chr1-12065931-G-A.
Other names: c.1659G>A, p.Val553= (NM_001127660.2).
Identifiers: ClinVar variation 292375 (VCV000292375.7), dbSNP rs886045220, ClinGen allele CA10607975.

ClinVar aggregate classification (germline): Uncertain significance. Review status: criteria provided, multiple submitters, no conflicts (2 of 4 stars). 3 submissions from 2 submitters: Uncertain significance (3). Last evaluated 2024-04-18.

Conditions:
Charcot-Marie-Tooth disease type 2. Also called: Charcot-Marie-Tooth type 2. Identifiers: Orphanet 64746, MedGen C0270914, MONDO:0018993.
Hereditary motor and sensory neuropathy with optic atrophy. Also called: PERIPHERAL NEUROPATHY AND OPTIC ATROPHY; CHARCOT-MARIE-TOOTH DISEASE, TYPE 6. Identifiers: Orphanet 90120, MedGen C0393807, MONDO:0019551.

Submissions (3):

Labcorp Genetics (formerly Invitae), Labcorp
Classification: Uncertain significance for Charcot-Marie-Tooth disease type 2. Last evaluated: 2024-04-18. Review status: criteria provided, single submitter. Criteria: Invitae Variant Classification Sherloc (09022015). Collection method: clinical testing. Allele origin: germline.
Comment: This sequence change affects codon 553 of the MFN2 mRNA. It is a 'silent' change, meaning that it does not change the encoded amino acid sequence of the MFN2 protein. This variant is not present in population databases (gnomAD no frequency). This variant has not been reported in the literature in individuals affected with MFN2-related conditions. ClinVar contains an entry for this variant (Variation ID: 292375). Algorithms developed to predict the effect of sequence changes on RNA splicing suggest that this variant may create or strengthen a splice site. In summary, the available evidence is currently insufficient to determine the role of this variant in disease. Therefore, it has been classified as a Variant of Uncertain Significance.

Illumina Laboratory Services, Illumina
Classification: Uncertain significance for Charcot-Marie-Tooth disease, type 2. Last evaluated: 2018-01-12. Review status: criteria provided, single submitter. Criteria: ICSL Variant Classification Criteria 13 December 2019. Collection method: clinical testing. Allele origin: germline.

Illumina Laboratory Services, Illumina
Classification: Uncertain significance for Neuropathy, hereditary motor and sensory, type 6A. Last evaluated: 2018-01-12. Review status: criteria provided, single submitter. Criteria: ICSL Variant Classification Criteria 13 December 2019. Collection method: clinical testing. Allele origin: germline.